The following is an entry in ClinVar:

NM_001270508.2(TNFAIP3):c.1525G>A (p.Ala509Thr)

Gene: TNFAIP3 (TNF alpha induced protein 3; plus strand). Cytogenetic location: 6q23.3.
Variant type: single nucleotide variant.
Coding change: c.1525G>A on transcript NM_001270508.2 (MANE Select); coding-DNA position 1525, G replaced by A.
Protein change: p.Ala509Thr; replaces alanine 509 with threonine.
Molecular consequence: missense variant.
Genome position (GRCh38, 1-based): chr6:137,878,970, G>A. VCF-style: chr6-137878970-G-A. GRCh37 (hg19) VCF-style: chr6-138200107-G-A.
Other names: c.1525G>A, p.Ala509Thr (NM_001270507.2, NM_006290.4); short protein forms A509T.
Identifiers: ClinVar variation 1481290 (VCV001481290.8), dbSNP rs746331032, ClinGen allele CA4019664.

ClinVar aggregate classification (germline): Uncertain significance (1 of 4 stars; one submission).

Allele frequency attached by ClinVar (database versions not stated): ExAC 0.00001; gnomAD 0.00001; TOPMed 0.00001; gnomAD exomes 0.00003.

Submission:

Labcorp Genetics (formerly Invitae), Labcorp
Classification: Uncertain significance. Last evaluated: 2025-10-02. Review status: criteria provided, single submitter. Criteria: Invitae Variant Classification Sherloc (09022015). Collection method: clinical testing. Allele origin: germline.
Comment: This sequence change replaces alanine, which is neutral and non-polar, with threonine, which is neutral and polar, at codon 509 of the TNFAIP3 protein (p.Ala509Thr). This variant is present in population databases (rs746331032, gnomAD 0.01%). This variant has not been reported in the literature in individuals affected with TNFAIP3-related conditions. ClinVar contains an entry for this variant (Variation ID: 1481290). Invitae Evidence Modeling of protein sequence and biophysical properties (such as structural, functional, and spatial information, amino acid conservation, physicochemical variation, residue mobility, and thermodynamic stability) indicates that this missense variant is not expected to disrupt TNFAIP3 protein function with a negative predictive value of 80%. In summary, the available evidence is currently insufficient to determine the role of this variant in disease. Therefore, it has been classified as a Variant of Uncertain Significance.